The following is an entry in ClinVar:

ClinVar aggregate classification (germline): Uncertain significance (1 of 4 stars; one submission).

Conditions:
Methylmalonic acidemia with homocystinuria, type cblX (MAHCX). Also called: INTELLECTUAL DEVELOPMENTAL DISORDER, X-LINKED 3. Identifiers: Orphanet 369962, MedGen C0796208, MONDO:0010657, OMIM 309541.

gnomAD v4.1: 3 of 1,200,303 alleles (0.00025%); highest among the groups gnomAD compares: African/African-American, 0.0017%; no homozygotes.

Submission:

Labcorp Genetics (formerly Invitae), Labcorp
Classification: Uncertain significance for Methylmalonic acidemia with homocystinuria, type cblX. Last evaluated: 2025-07-25. Review status: criteria provided, single submitter. Criteria: Invitae Variant Classification Sherloc (09022015). Collection method: clinical testing. Allele origin: germline.
Comment: This sequence change replaces serine, which is neutral and polar, with leucine, which is neutral and non-polar, at codon 563 of the HCFC1 protein (p.Ser563Leu). This variant is not present in population databases (gnomAD no frequency). This variant has not been reported in the literature in individuals affected with HCFC1-related conditions. Invitae Evidence Modeling of protein sequence and biophysical properties (such as structural, functional, and spatial information, amino acid conservation, physicochemical variation, residue mobility, and thermodynamic stability) indicates that this missense variant is not expected to disrupt HCFC1 protein function with a negative predictive value of 80%. In summary, the available evidence is currently insufficient to determine the role of this variant in disease. Therefore, it has been classified as a Variant of Uncertain Significance.

NM_005334.3(HCFC1):c.1688C>T (p.Ser563Leu)

Gene: HCFC1 (host cell factor C1; minus strand). Cytogenetic location: Xq28.
Variant type: single nucleotide variant.
Coding change: c.1688C>T on transcript NM_005334.3 (MANE Select); coding-DNA position 1688, C replaced by T.
Protein change: p.Ser563Leu; replaces serine 563 with leucine.
Molecular consequence: missense variant. On other transcripts: intron variant (2).
Genome position (GRCh38, 1-based): chrX:153,958,684, G>A on the plus strand (C>T on the coding strand, the complement: HCFC1 is on the minus strand). VCF-style: chrX-153958684-G-A. GRCh37 (hg19) VCF-style: chrX-153224135-G-A.
Other names: c.1688C>T, p.Ser563Leu (NM_001410705.1, NM_001440843.1, NM_001440844.1 and 5 more transcripts); c.1606-435C>T (NM_001440851.1, NM_001440850.1); short protein forms S563L.
Identifiers: ClinVar variation 4739609 (VCV004739609.1).